The following is an entry in ClinVar:

NM_005431.2(XRCC2):c.587A>C (p.Gln196Pro)

Gene: XRCC2 (X-ray repair cross complementing 2; minus strand). Cytogenetic location: 7q36.1.
Variant type: single nucleotide variant.
Coding change: c.587A>C on transcript NM_005431.2 (MANE Select); coding-DNA position 587, A replaced by C.
Protein change: p.Gln196Pro; replaces glutamine 196 with proline.
Molecular consequence: missense variant.
Genome position (GRCh38, 1-based): chr7:152,648,898, T>G on the plus strand (A>C on the coding strand, the complement: XRCC2 is on the minus strand). VCF-style: chr7-152648898-T-G. GRCh37 (hg19) VCF-style: chr7-152345983-T-G.
Other names: short protein forms Q196P.
Identifiers: ClinVar variation 1750236 (VCV001750236.2), dbSNP rs745311930, ClinGen allele CA4582325.

ClinVar aggregate classification (germline): Uncertain significance (1 of 4 stars; one submission).

Conditions:
Hereditary cancer-predisposing syndrome. Also called: Hereditary Cancer Syndrome; Hereditary neoplastic syndrome; Neoplastic Syndromes, Hereditary; Tumor predisposition. Identifiers: Orphanet 140162, MedGen C0027672, MeSH D009386, MONDO:0015356.

Allele frequency attached by ClinVar (database versions not stated): ExAC 0.00001; gnomAD exomes 0.00001.
gnomAD v4.1: 3 of 1,614,134 alleles (0.00019%); highest among the groups gnomAD compares: South Asian, 0.0022%; no homozygotes.

Submission:

Ambry Genetics
Classification: Uncertain significance for Hereditary cancer-predisposing syndrome. Last evaluated: 2016-08-17. Review status: criteria provided, single submitter. Criteria: Ambry Variant Classification Scheme 2023. Collection method: clinical testing. Allele origin: germline.
Comment: The p.Q196P variant (also known as c.587A>C), located in coding exon 3 of the XRCC2 gene, results from an A to C substitution at nucleotide position 587. The glutamine at codon 196 is replaced by proline, an amino acid with similar properties. This variant was not reported in population based cohorts in the following databases: Database of Single Nucleotide Polymorphisms (dbSNP), NHLBI Exome Sequencing Project (ESP), and 1000 Genomes Project. In the ESP, this variant was not observed in 6503 samples (13006 alleles) with coverage at this position. This amino acid position is well conserved in available vertebrate species. In addition, this alteration is predicted to be deleterious by in silico analysis. Since supporting evidence is limited at this time, the clinical significance of this alteration remains unclear.